The following is an entry in ClinVar:

NM_138386.3(NAF1):c.597G>A (p.Lys199=)

Gene: NAF1 (nuclear assembly factor 1 ribonucleoprotein; minus strand). Cytogenetic location: 4q32.2.
Variant type: single nucleotide variant.
Coding change: c.597G>A on transcript NM_138386.3 (MANE Select); coding-DNA position 597, G replaced by A.
Protein change: p.Lys199=; no amino-acid change (lysine 199 retained).
Molecular consequence: synonymous variant.
Genome position (GRCh38, 1-based): chr4:163,148,378, C>T on the plus strand (G>A on the coding strand, the complement: NAF1 is on the minus strand). VCF-style: chr4-163148378-C-T. GRCh37 (hg19) VCF-style: chr4-164069530-C-T.
Other names: c.597G>A, p.Lys199= (NM_001128931.2).
Identifiers: ClinVar variation 3355634 (VCV003355634.2).
Genomic context (GRCh38, chr4:163,148,378, plus strand): 5'-TATTAATAGAATTCTTAACATACCTAGTTGTTCAATAATACTTGAAACCATCCCAAGAGG[C>T]TTTAACTCAATATCTTCAGGCAGAATAATAGTGAGTTCTTCAACAGAAGGCAGTTCCTAT-3'
Protein context (NP_612395.2, residues 189-209): TIILPEDIEL[Lys199=]PLGMVSSIIE

ClinVar aggregate classification (germline): Likely benign. Review status: criteria provided, single submitter (1 of 4 stars). 2 submissions from 2 submitters: Likely benign (1). 1 of the submissions does not count toward it. Last evaluated 2026-01-02.

Conditions:
NAF1-related disorder. Also called: NAF1-related condition.

gnomAD v4.1: 14 of 1,581,832 alleles (0.00089%); highest among the groups gnomAD compares: Non-Finnish European, 0.0012%; no homozygotes.

Submissions (2):

Labcorp Genetics (formerly Invitae), Labcorp
Classification: Likely benign. Last evaluated: 2026-01-02. Review status: criteria provided, single submitter. Criteria: Invitae Variant Classification Sherloc (09022015). Collection method: clinical testing. Allele origin: germline.

PreventionGenetics, part of Exact Sciences
Classification: Likely benign for NAF1-related condition. Last evaluated: 2024-04-01. Review status: no assertion criteria provided. Collection method: clinical testing. Allele origin: germline. Not counted in ClinVar's aggregate classification.
Comment: This variant is classified as likely benign based on ACMG/AMP sequence variant interpretation guidelines (Richards et al. 2015 PMID: 25741868, with internal and published modifications).